The following is an entry in ClinVar:

NM_000052.7(ATP7A):c.1934G>A (p.Arg645Gln)

Gene: ATP7A (ATPase copper transporting alpha; plus strand). Cytogenetic location: Xq21.1.
Variant type: single nucleotide variant.
Coding change: c.1934G>A on transcript NM_000052.7 (MANE Select); coding-DNA position 1934, G replaced by A.
Protein change: p.Arg645Gln; replaces arginine 645 with glutamine.
Molecular consequence: missense variant.
Genome position (GRCh38, 1-based): chrX:78,011,240, G>A. VCF-style: chrX-78011240-G-A. GRCh37 (hg19) VCF-style: chrX-77266737-G-A.
Other names: c.1934G>A, p.Arg645Gln (NM_001282224.2); short protein forms R645Q.
Identifiers: ClinVar variation 465108 (VCV000465108.20), dbSNP rs782729433, ClinGen allele CA10459164.

ClinVar aggregate classification (germline): Likely benign. Review status: criteria provided, multiple submitters, no conflicts (2 of 4 stars). 5 submissions from 5 submitters: Likely benign (5). Last evaluated 2026-03-05.

Conditions:
Inborn genetic diseases. Identifiers: MedGen C0950123, MeSH D030342.
Menkes kinky-hair syndrome (MNK). Also called: Copper transport disease; Menkes Disease; Classic Menkes Disease. Identifiers: Orphanet 565, MedGen C0022716, MONDO:0010651, OMIM 309400.
X-linked distal spinal muscular atrophy type 3. Also called: NEURONOPATHY, DISTAL HEREDITARY MOTOR, X-LINKED; NEUROPATHY, DISTAL HEREDITARY MOTOR, X-LINKED; ATP7A-Related Distal Motor Neuropathy; SPINAL MUSCULAR ATROPHY, DISTAL, X-LINKED RECESSIVE. Identifiers: Orphanet 139557, MedGen C1845359, MONDO:0010338, OMIM 300489.
Cutis laxa, X-linked (OHS). Also called: Occipital horn syndrome; EDS IX. Identifiers: Orphanet 198, MedGen C0268353, MONDO:0010572, OMIM 304150.

Allele frequency attached by ClinVar (database versions not stated): gnomAD exomes 0.00005 and 0.00010; gnomAD 0.00006; TOPMed 0.00007; ExAC 0.00009.
gnomAD v4.1: 62 of 1,206,288 alleles (0.0051%); highest among the groups gnomAD compares: South Asian, 0.011%; no homozygotes.

Submissions (5):

Women's Health and Genetics/Laboratory Corporation of America, LabCorp
Classification: Likely benign. Last evaluated: 2026-03-05. Review status: criteria provided, single submitter. Criteria: LabCorp Variant Classification Summary - May 2015. Collection method: clinical testing. Allele origin: germline.
Comment: Variant summary: ATP7A c.1934G>A (p.Arg645Gln) results in a conservative amino acid change in the encoded protein sequence. Algorithms developed to predict the effect of missense changes on protein structure and function are either unavailable or do not agree on the potential impact of this missense change. The variant allele was found at a frequency of 5.1e-05 in 1206288 control chromosomes, including 25 hemizygotes (gnomAD v4). This frequency is not significantly higher than estimated for disease-causing variants in ATP7A, however, the presence of hemizygotes in controls suggest the variant may be benign. To our knowledge, no occurrence of c.1934G>A in individuals affected with ATP7A-related conditions and no experimental evidence demonstrating its impact on protein function have been reported. ClinVar contains an entry for this variant (Variation ID: 465108). Based on the evidence outlined above, the variant was classified as likely benign.

CeGaT Center for Human Genetics Tuebingen
Classification: Likely benign. Last evaluated: 2026-03-01. Review status: criteria provided, single submitter. Criteria: CeGaT Center For Human Genetics Tuebingen Variant Classification Criteria Version 2. Collection method: clinical testing. Allele origin: germline. Affected: yes. Observed: 1 variant allele.
Comment: ATP7A: BP4, BS2

Labcorp Genetics (formerly Invitae), Labcorp
Classification: Likely benign for X-linked distal spinal muscular atrophy type 3; Cutis laxa, X-linked; Menkes kinky-hair syndrome. Last evaluated: 2026-02-01. Review status: criteria provided, single submitter. Criteria: Invitae Variant Classification Sherloc (09022015). Collection method: clinical testing. Allele origin: germline.

Ambry Genetics
Classification: Likely benign for Inborn genetic diseases. Last evaluated: 2022-08-08. Review status: criteria provided, single submitter. Criteria: Ambry Variant Classification Scheme 2023. Collection method: clinical testing. Allele origin: germline.

GeneDx
Classification: Likely benign. Last evaluated: 2018-06-11. Review status: criteria provided, single submitter. Criteria: GeneDx Variant Classification (06012015). Collection method: clinical testing. Allele origin: germline. Affected: yes.
Comment: This variant is considered likely benign or benign based on one or more of the following criteria: it is a conservative change, it occurs at a poorly conserved position in the protein, it is predicted to be benign by multiple in silico algorithms, and/or has population frequency not consistent with disease.